The following is an entry in ClinVar:

ClinVar aggregate classification (germline): Likely benign (1 of 4 stars; one submission).

Allele frequency attached by ClinVar (database versions not stated): TOPMed 0.00015; gnomAD 0.00017; gnomAD exomes 0.00018; ESP Exome Variant Server 0.00031; ExAC 0.00032.
gnomAD v4.1: 207 of 1,207,526 alleles (0.017%); highest among the groups gnomAD compares: South Asian, 0.13%; 1 homozygote.

Submission:

CeGaT Center for Human Genetics Tuebingen
Classification: Likely benign. Last evaluated: 2022-03-01. Review status: criteria provided, single submitter. Criteria: CeGaT Center For Human Genetics Tuebingen Variant Classification Criteria Version 2. Collection method: clinical testing. Allele origin: germline. Affected: yes. Observed: 1 variant allele.
Comment: GLOD5: BP4, BP7

NM_001080489.3(GLOD5):c.441C>T (p.Pro147=)

Gene: GLOD5 (glyoxalase domain containing 5; plus strand). Cytogenetic location: Xp11.23.
Variant type: single nucleotide variant.
Coding change: c.441C>T on transcript NM_001080489.3 (MANE Select); coding-DNA position 441, C replaced by T.
Protein change: p.Pro147=; no amino-acid change (proline 147 retained).
Molecular consequence: synonymous variant.
Genome position (GRCh38, 1-based): chrX:48,773,393, C>T. VCF-style: chrX-48773393-C-T. GRCh37 (hg19) VCF-style: chrX-48631809-C-T.
Identifiers: ClinVar variation 2660467 (VCV002660467.24), dbSNP rs376994822, ClinGen allele CA10404504.